The following is an entry in ClinVar:

ClinVar aggregate classification (germline): Pathogenic (1 of 4 stars; one submission).

Conditions:
Hemochromatosis type 2A (HFE2A). Also called: HJV (HFE2)-Related Juvenile Hemochromatosis; Adult-Onset Hemochromatosis. Identifiers: Orphanet 79230, MedGen C1865614, MONDO:0011216, OMIM 602390.

Submission:

Molecular Genetics, Royal Melbourne Hospital
Classification: Pathogenic for Hemochromatosis type 2A. Last evaluated: 2024-04-11. Review status: criteria provided, single submitter. Criteria: ACMG Guidelines, 2015. Collection method: clinical testing. Allele origin: germline. Inheritance: Autosomal recessive inheritance. Affected: yes.
Comment: This sequence change in HJV is a frameshift variant predicted to cause a premature stop codon, p.(Asn43Hisfs*5), in biologically relevant exon 3/4 leading to nonsense-mediated decay in a gene in which loss-of-function is an established disease mechanism. This variant is absent from the population database gnomAD v2.1 and v3.1. To our knowledge, this variant is novel and has not been previously reported in the relevant scientific literature or databases. Based on the classification scheme RMH Modified ACMG/AMP Guidelines v1.6.1, this variant is classified as PATHOGENIC. Following criteria are met: PVS1, PM2_Supporting, PM3_Supporting.

NM_213653.4(HJV):c.127_146del (p.Asn43fs)

Gene: HJV (hemojuvelin BMP co-receptor; minus strand). Cytogenetic location: 1q21.1.
Variant type: Deletion.
Coding change: c.127_146del on transcript NM_213653.4 (MANE Select); coding-DNA positions 127 to 146, 20 bases deleted (AATGCTGAGTACGTATCGTC).
Protein change: p.Asn43fs; shifts the reading frame from asparagine 43.
Molecular consequence: frameshift variant. On other transcripts: 5 prime UTR variant (1), intron variant (1), splice donor variant (2).
Genome position (GRCh38, 1-based): chr1:146,019,686-146,019,705, GACGATACGTACTCAGCATT deleted on the plus strand (AATGCTGAGTACGTATCGTC on the coding strand, the reverse complement: HJV is on the minus strand); deleting any 20 consecutive bases within chr1:146,019,686-146,019,706 gives the same sequence; the c. name uses the placement nearest the transcript's 3' end. VCF-style (leftmost placement, unchanged base first): chr1-146019685-GGACGATACGTACTCAGCATT-G. GRCh37 (hg19) VCF-style: chr1-145415306-GCAATGCTGAGTACGTATCGT-G.
Other names: c.127_146del, p.Asn43fs (NM_001379352.1); c.-213_-194del (NM_145277.5); c.-21-1005_-21-986del (NM_213652.4); c.-29_-22+12del (NM_202004.4, NM_001316767.2); short protein forms N43fs.
Identifiers: ClinVar variation 3068589 (VCV003068589.1), dbSNP rs2525756260, ClinGen allele CA2580610851.